The following is an entry in ClinVar:

NM_198506.5(LRIT3):c.1890G>T (p.Glu630Asp)

Gene: LRIT3 (leucine rich repeat, Ig-like and transmembrane domains 3; plus strand). Cytogenetic location: 4q25.
Variant type: single nucleotide variant.
Coding change: c.1890G>T on transcript NM_198506.5 (MANE Select); coding-DNA position 1890, G replaced by T.
Protein change: p.Glu630Asp; replaces glutamic acid 630 with aspartic acid.
Molecular consequence: missense variant.
Genome position (GRCh38, 1-based): chr4:109,870,639, G>T. VCF-style: chr4-109870639-G-T. GRCh37 (hg19) VCF-style: chr4-110791795-G-T.
Other names: short protein forms E630D.
Identifiers: ClinVar variation 1059686 (VCV001059686.5), dbSNP rs2125901816, ClinGen allele CA357873072.

ClinVar aggregate classification (germline): Uncertain significance (1 of 4 stars; one submission).

Allele frequency attached by ClinVar (database versions not stated): gnomAD exomes 0.00001.
gnomAD v4.1: 7 of 1,614,076 alleles (0.00043%); highest among the groups gnomAD compares: Non-Finnish European, 0.00059%; no homozygotes.

Submission:

Labcorp Genetics (formerly Invitae), Labcorp
Classification: Uncertain significance. Last evaluated: 2024-05-20. Review status: criteria provided, single submitter. Criteria: Invitae Variant Classification Sherloc (09022015). Collection method: clinical testing. Allele origin: germline.
Comment: This sequence change replaces glutamic acid, which is acidic and polar, with aspartic acid, which is acidic and polar, at codon 630 of the LRIT3 protein (p.Glu630Asp). This variant is not present in population databases (gnomAD no frequency). This variant has not been reported in the literature in individuals affected with LRIT3-related conditions. ClinVar contains an entry for this variant (Variation ID: 1059686). Algorithms developed to predict the effect of missense changes on protein structure and function output the following: SIFT: "Not Available"; PolyPhen-2: "Possibly Damaging"; Align-GVGD: "Not Available". The aspartic acid amino acid residue is found in multiple mammalian species, which suggests that this missense change does not adversely affect protein function. In summary, the available evidence is currently insufficient to determine the role of this variant in disease. Therefore, it has been classified as a Variant of Uncertain Significance.